The following is an entry in ClinVar:

ClinVar aggregate classification (germline): Likely pathogenic (1 of 4 stars; one submission).

Submission:

GeneDx
Classification: Likely pathogenic. Last evaluated: 2024-05-02. Review status: criteria provided, single submitter. Criteria: GeneDx Variant Classification Process June 2021. Collection method: clinical testing. Allele origin: germline. Affected: yes.
Comment: Frameshift variant predicted to result in abnormal protein length as the last 886 amino acids are replaced with 11 different amino acids, and other similar variants have been reported in HGMD; Not observed at significant frequency in large population cohorts (gnomAD); Has not been previously published as pathogenic or benign to our knowledge

NM_030632.3(ASXL3):c.4087del (p.Met1363fs)

Gene: ASXL3 (ASXL transcriptional regulator 3; plus strand). Cytogenetic location: 18q12.1.
Variant type: Deletion.
Coding change: c.4087del on transcript NM_030632.3 (MANE Select); coding-DNA position 4087, one base deleted (A; older notation c.4087delA).
Protein change: p.Met1363fs; shifts the reading frame from methionine 1363.
Molecular consequence: frameshift variant.
Genome position (GRCh38, 1-based): chr18:33,743,935, A deleted; the last of 2 consecutive A bases (chr18:33,743,934-33,743,935); deleting either gives the same sequence. VCF-style (leftmost placement, unchanged base first): chr18-33743933-CA-C. GRCh37 (hg19) VCF-style: chr18-31323897-CA-C.
Other names: short protein forms M1363fs.
Identifiers: ClinVar variation 3375744 (VCV003375744.1).